The following is an entry in ClinVar:

ClinVar aggregate classification (germline): Uncertain significance (1 of 4 stars; one submission).

Conditions:
Autosomal recessive ataxia, Beauce type. Also called: SYNE1-Related Autosomal Recessive Cerebellar Ataxia; Spinocerebellar ataxia, autosomal recessive 8; ATAXIA, RECESSIVE, OF BEAUCE; SYNE1 Deficiency. Identifiers: Orphanet 88644, MedGen C1853116, MONDO:0012549, OMIM 610743.
Emery-Dreifuss muscular dystrophy 4, autosomal dominant (EDMD4). Also called: EMERY-DREIFUSS MUSCULAR DYSTROPHY 4 WITH VARIABLE FEATURES. Identifiers: Orphanet 261, MedGen C2751807, MONDO:0013071, OMIM 612998.

gnomAD v4.1: 1 of 1,614,210 alleles (0.000062%); no homozygotes.

Submission:

Labcorp Genetics (formerly Invitae), Labcorp
Classification: Uncertain significance for Emery-Dreifuss muscular dystrophy 4, autosomal dominant; Autosomal recessive ataxia, Beauce type. Last evaluated: 2025-07-30. Review status: criteria provided, single submitter. Criteria: Invitae Variant Classification Sherloc (09022015). Collection method: clinical testing. Allele origin: germline.
Comment: This sequence change replaces alanine, which is neutral and non-polar, with valine, which is neutral and non-polar, at codon 5971 of the SYNE1 protein (p.Ala5971Val). This variant is not present in population databases (gnomAD no frequency). This variant has not been reported in the literature in individuals affected with SYNE1-related conditions. An algorithm developed to predict the effect of missense changes on protein structure and function (PolyPhen-2) suggests that this variant is likely to be disruptive. In summary, the available evidence is currently insufficient to determine the role of this variant in disease. Therefore, it has been classified as a Variant of Uncertain Significance.

NM_182961.4(SYNE1):c.18125C>T (p.Ala6042Val)

Gene: SYNE1 (spectrin repeat containing nuclear envelope protein 1; minus strand). Cytogenetic location: 6q25.2.
Variant type: single nucleotide variant.
Coding change: c.18125C>T on transcript NM_182961.4 (MANE Select); coding-DNA position 18125, C replaced by T.
Protein change: p.Ala6042Val; replaces alanine 6042 with valine.
Molecular consequence: missense variant.
Genome position (GRCh38, 1-based): chr6:152,284,060, G>A on the plus strand (C>T on the coding strand, the complement: SYNE1 is on the minus strand). VCF-style: chr6-152284060-G-A. GRCh37 (hg19) VCF-style: chr6-152605195-G-A.
Other names: c.17912C>T, p.Ala5971Val (NM_033071.5); short protein forms A6042V, A5971V.
Identifiers: ClinVar variation 4790570 (VCV004790570.1).